The following is an entry in ClinVar:

ClinVar aggregate classification (germline): Benign/Likely benign. Review status: criteria provided, multiple submitters, no conflicts (2 of 4 stars). 4 submissions from 4 submitters: Benign (3); Likely benign (1). Last evaluated 2026-01-08.

Conditions:
Tumoral calcinosis, hyperphosphatemic, familial, 3. Identifiers: MedGen C4693864, MONDO:0060715, OMIM 617994.

Allele frequency attached by ClinVar (database versions not stated): gnomAD exomes 0.00111 and 0.00042; gnomAD 0.00429 and 0.00458; 1000 Genomes Project 0.00579; ExAC 0.00131; TOPMed 0.00475; ESP Exome Variant Server 0.00457; 1000 Genomes Project 30x 0.00609.
gnomAD v4.1: 1,295 of 1,612,932 alleles (0.08%); highest among the groups gnomAD compares: African/African-American, 1.6%; 10 homozygotes.

Submissions (4):

Labcorp Genetics (formerly Invitae), Labcorp
Classification: Benign. Last evaluated: 2026-01-08. Review status: criteria provided, single submitter. Criteria: Invitae Variant Classification Sherloc (09022015). Collection method: clinical testing. Allele origin: germline.

Mayo Clinic Laboratories, Mayo Clinic
Classification: Likely benign. Last evaluated: 2025-08-22. Review status: criteria provided, single submitter. Criteria: ACMG Guidelines, 2015. Collection method: clinical testing. Allele origin: germline. Observed: 1 variant allele.
Comment: BS1, BP4_moderate

Illumina Laboratory Services, Illumina
Classification: Benign for Tumoral calcinosis, hyperphosphatemic, familial, 3. Last evaluated: 2018-01-12. Review status: criteria provided, single submitter. Criteria: ICSL Variant Classification Criteria 13 December 2019. Collection method: clinical testing. Allele origin: germline.
Comment: This variant was observed in the ICSL laboratory as part of a predisposition screen in an ostensibly healthy population. It had not been previously curated by ICSL or reported in the Human Gene Mutation Database (HGMD: prior to June 1st, 2018), and was therefore a candidate for classification through an automated scoring system. Utilizing variant allele frequency, disease prevalence and penetrance estimates, and inheritance mode, an automated score was calculated to assess if this variant is too frequent to cause the disease. Based on the score and internal cut-off values, a variant classified as benign is not then subjected to further curation. The score for this variant resulted in a classification of benign for this disease.

Breakthrough Genomics
Classification: Benign. Review status: criteria provided, single submitter. Criteria: ACMG Guidelines, 2015. Collection method: not provided. Allele origin: germline. Inheritance: Autosomal recessive inheritance. Affected: yes.

NM_004795.4(KL):c.393C>A (p.Asn131Lys)

Gene: KL (klotho; plus strand). Cytogenetic location: 13q13.1.
Variant type: single nucleotide variant.
Coding change: c.393C>A on transcript NM_004795.4 (MANE Select); coding-DNA position 393, C replaced by A.
Protein change: p.Asn131Lys; replaces asparagine 131 with lysine.
Molecular consequence: missense variant.
Genome position (GRCh38, 1-based): chr13:33,016,833, C>A. VCF-style: chr13-33016833-C-A. GRCh37 (hg19) VCF-style: chr13-33590971-C-A.
Other names: p.Asn131Lys; short protein forms N131K.
Identifiers: ClinVar variation 882959 (VCV000882959.13), dbSNP rs79554512, ClinGen allele CA6943884.
Genomic context (GRCh38, chr13:33,016,833, plus strand): 5'-GGGCGCCCCGTCGCCGCTGCAGCCCGCCACCGGGGACGTAGCCAGCGACAGCTACAACAA[C>A]GTCTTCCGCGACACGGAGGCGCTGCGCGAGCTCGGGGTCACTCACTACCGCTTCTCCATC-3'
Protein context (NP_004786.2, residues 121-141): TGDVASDSYN[Asn131Lys]VFRDTEALRE